The following is an entry in ClinVar:

NM_001040108.2(MLH3):c.816A>T (p.Leu272Phe)

Gene: MLH3 (mutL homolog 3; minus strand). Cytogenetic location: 14q24.3.
Variant type: single nucleotide variant.
Coding change: c.816A>T on transcript NM_001040108.2 (MANE Select); coding-DNA position 816, A replaced by T.
Protein change: p.Leu272Phe; replaces leucine 272 with phenylalanine.
Molecular consequence: missense variant.
Genome position (GRCh38, 1-based): chr14:75,048,840, T>A on the plus strand (A>T on the coding strand, the complement: MLH3 is on the minus strand). VCF-style: chr14-75048840-T-A. GRCh37 (hg19) VCF-style: chr14-75515543-T-A.
Other names: c.816A>T, p.Leu272Phe (NM_014381.3); short protein forms L272F.
Identifiers: ClinVar variation 4552093 (VCV004552093.1).

ClinVar aggregate classification (germline): Uncertain significance (1 of 4 stars; one submission).

Submission:

Ambry Genetics
Classification: Uncertain significance. Last evaluated: 2025-10-16. Review status: criteria provided, single submitter. Criteria: Ambry Variant Classification Scheme 2023. Collection method: clinical testing. Allele origin: germline.
Comment: The p.L272F variant (also known as c.816A>T), located in coding exon 1 of the MLH3 gene, results from an A to T substitution at nucleotide position 816. The leucine at codon 272 is replaced by phenylalanine, an amino acid with highly similar properties. This amino acid position is conserved. In addition, the in silico prediction for this alteration is inconclusive. Based on the available evidence, the clinical significance of this variant remains unclear.